The following is an entry in ClinVar:

NM_005228.5(EGFR):c.687T>A (p.Ser229Arg)

Gene: EGFR (epidermal growth factor receptor; plus strand). Cytogenetic location: 7p11.2.
Variant type: single nucleotide variant.
Coding change: c.687T>A on transcript NM_005228.5 (MANE Select); coding-DNA position 687, T replaced by A.
Protein change: p.Ser229Arg; replaces serine 229 with arginine.
Molecular consequence: missense variant. On other transcripts: intron variant (1).
Genome position (GRCh38, 1-based): chr7:55,152,604, T>A. VCF-style: chr7-55152604-T-A. GRCh37 (hg19) VCF-style: chr7-55220297-T-A.
Other names: c.552T>A, p.Ser184Arg (NM_001346897.2, NM_001346899.2); c.687T>A, p.Ser229Arg (NM_001346898.2, NM_201282.2, NM_201283.2 and 1 more transcripts); c.528T>A, p.Ser176Arg (NM_001346900.2); c.89-3226T>A (NM_001346941.2); short protein forms S176R, S184R, S229R.
Identifiers: ClinVar variation 4016803 (VCV004016803.1).

ClinVar aggregate classification (germline): Uncertain significance (1 of 4 stars; one submission).

Conditions:
Hereditary cancer-predisposing syndrome. Also called: Tumor predisposition; Hereditary neoplastic syndrome; Neoplastic Syndromes, Hereditary; Hereditary Cancer Syndrome. Identifiers: Orphanet 140162, MedGen C0027672, MeSH D009386, MONDO:0015356.

gnomAD v4.1: 1 of 1,613,808 alleles (0.000062%); no homozygotes.

Submission:

Ambry Genetics
Classification: Uncertain significance for Hereditary cancer-predisposing syndrome. Last evaluated: 2025-06-01. Review status: criteria provided, single submitter. Criteria: Ambry Variant Classification Scheme 2023. Collection method: clinical testing. Allele origin: germline.
Comment: The p.S229R variant (also known as c.687T>A), located in coding exon 6 of the EGFR gene, results from a T to A substitution at nucleotide position 687. The serine at codon 229 is replaced by arginine, an amino acid with dissimilar properties. This amino acid position is conserved. In addition, the in silico prediction for this alteration is inconclusive. Based on the available evidence, the clinical significance of this variant remains unclear.